The following is an entry in ClinVar:

NM_002739.5(PRKCG):c.459C>G (p.Asp153Glu)

Gene: PRKCG (protein kinase C gamma; plus strand). Cytogenetic location: 19q13.42.
Variant type: single nucleotide variant.
Coding change: c.459C>G on transcript NM_002739.5 (MANE Select); coding-DNA position 459, C replaced by G.
Protein change: p.Asp153Glu; replaces aspartic acid 153 with glutamic acid.
Molecular consequence: missense variant.
Genome position (GRCh38, 1-based): chr19:53,889,947, C>G. VCF-style: chr19-53889947-C-G. GRCh37 (hg19) VCF-style: chr19-54393201-C-G.
Other names: c.459C>G, p.Asp153Glu (NM_001316329.2); short protein forms D153E.
Identifiers: ClinVar variation 4823464 (VCV004823464.4).
Genomic context (GRCh38, chr19:53,889,947, plus strand): 5'-CTGCGAGATGAACGTGCACCGGCGCTGTGTGCGTAGCGTGCCCTCCCTGTGCGGTGTGGA[C>G]CACACCGAGCGCCGCGGGCGCCTGCAGCTGGAGATCCGGGCTCCCACAGCAGATGAGATC-3'
Protein context (NP_002730.1, residues 143-163): VRSVPSLCGV[Asp153Glu]HTERRGRLQL

ClinVar aggregate classification (germline): Uncertain significance (1 of 4 stars; one submission).

gnomAD v4.1: 1 of 1,578,764 alleles (0.000063%); highest among the groups gnomAD compares: South Asian, 0.0012%; no homozygotes.

Submission:

CeGaT Center for Human Genetics Tuebingen
Classification: Uncertain significance. Last evaluated: 2026-02-01. Review status: criteria provided, single submitter. Criteria: CeGaT Center For Human Genetics Tuebingen Variant Classification Criteria Version 2. Collection method: clinical testing. Allele origin: germline. Affected: yes. Observed: 1 variant allele.
Comment: PRKCG: PM2, PP2, PP3